The following is an entry in ClinVar:

NM_022455.5(NSD1):c.3910C>T (p.Gln1304Ter)

Gene: NSD1 (nuclear receptor binding SET domain protein 1; plus strand). Cytogenetic location: 5q35.3.
Variant type: single nucleotide variant.
Coding change: c.3910C>T on transcript NM_022455.5 (MANE Select); coding-DNA position 3910, C replaced by T.
Protein change: p.Gln1304Ter; replaces glutamine 1304 with a stop codon.
Molecular consequence: nonsense.
Genome position (GRCh38, 1-based): chr5:177,235,934, C>T. VCF-style: chr5-177235934-C-T. GRCh37 (hg19) VCF-style: chr5-176662935-C-T.
Other names: c.3910C>T, p.Gln1304Ter (NM_001409302.1, NM_001409303.1, NM_001409301.1); c.3490C>T, p.Gln1164Ter (NM_001409304.1); c.3157C>T, p.Gln1053Ter (NM_001409305.1); c.3037C>T, p.Gln1013Ter (NM_001409306.1, NM_001409307.1, NM_001409308.1 and 3 more transcripts); short protein forms Q1013*, Q1053*, Q1164*, Q1304*.
Identifiers: ClinVar variation 4683077 (VCV004683077.1).
Genomic context (GRCh38, chr5:177,235,934, plus strand): 5'-TATACAGAAGAATATGATCAGATATTTGCTCCTAAGAAAAAACAAAAGAAGGTACAGGAG[C>T]AGGTGCACAAGGTATGTTGCAAAATTTCAGCAAACTTTCACTGGTCCTTAGGAAACTGCA-3'

ClinVar aggregate classification (germline): Pathogenic (1 of 4 stars; one submission).

Conditions:
Sotos syndrome (SOTOS). Also called: CEREBRAL GIGANTISM; Sotos' syndrome; Distinctive facial appearance, overgrowth in childhood, and learning disabilities or delayed development; CHROMOSOME 5q35 DELETION SYNDROME; SOTOS SYNDROME 1. Identifiers: Orphanet 821, MedGen C0175695, MONDO:0019349, OMIM 117550.

Submission:

Department of Pediatrics, Affiliated Hospital of Jining Medical University, Jining Medical University
Classification: Pathogenic for Sotos syndrome. Last evaluated: 2024-07-31. Review status: criteria provided, single submitter. Criteria: ACMG Guidelines, 2015. Collection method: research. Allele origin: de novo. Inheritance: Autosomal dominant inheritance. Affected: yes. Observed: 1 variant allele, 1 heterozygote.